The following is an entry in ClinVar:

ClinVar aggregate classification (germline): Uncertain significance. Review status: criteria provided, multiple submitters, no conflicts (2 of 4 stars). 2 submissions from 2 submitters: Uncertain significance (2). Last evaluated 2022-02-10.

Conditions:
Inborn genetic diseases. Identifiers: MedGen C0950123, MeSH D030342.
Myopathy, proximal, and ophthalmoplegia (CMYO6). Also called: MYOPATHY WITH CONGENITAL JOINT CONTRACTURES, OPHTHALMOPLEGIA, AND RIMMED VACUOLES; CONGENITAL MYOPATHY 6 WITH OPHTHALMOPLEGIA; INCLUSION BODY MYOPATHY 3, AUTOSOMAL DOMINANT. Identifiers: Orphanet 363677, Orphanet 79091, MedGen C1854106, MONDO:0011577, OMIM 605637.

Submissions (2):

Ambry Genetics
Classification: Uncertain significance for Inborn genetic diseases. Last evaluated: 2022-02-10. Review status: criteria provided, single submitter. Criteria: Ambry Variant Classification Scheme 2023. Collection method: clinical testing. Allele origin: germline.

Labcorp Genetics (formerly Invitae), Labcorp
Classification: Uncertain significance for Myopathy, proximal, and ophthalmoplegia. Last evaluated: 2021-12-27. Review status: criteria provided, single submitter. Criteria: Invitae Variant Classification Sherloc (09022015). Collection method: clinical testing. Allele origin: germline.
Comment: This variant is not present in population databases (gnomAD no frequency). In summary, the available evidence is currently insufficient to determine the role of this variant in disease. Therefore, it has been classified as a Variant of Uncertain Significance. Algorithms developed to predict the effect of missense changes on protein structure and function (SIFT, PolyPhen-2, Align-GVGD) all suggest that this variant is likely to be disruptive. This variant has not been reported in the literature in individuals affected with MYH2-related conditions. This sequence change replaces glutamic acid, which is acidic and polar, with lysine, which is basic and polar, at codon 1084 of the MYH2 protein (p.Glu1084Lys).

NM_017534.6(MYH2):c.3250G>A (p.Glu1084Lys)

Genes: MYHAS (myosin heavy chain gene cluster antisense RNA; plus strand), MYH2 (myosin heavy chain 2; minus strand). Cytogenetic location: 17p13.1.
Variant type: single nucleotide variant.
Coding change: c.3250G>A on transcript NM_017534.6 (MANE Select); coding-DNA position 3250, G replaced by A.
Protein change: p.Glu1084Lys; replaces glutamic acid 1084 with lysine.
Molecular consequence: missense variant.
Genome position (GRCh38, 1-based): chr17:10,529,349, C>T on the plus strand (G>A on the coding strand, the complement: MYH2 is on the minus strand). VCF-style: chr17-10529349-C-T. GRCh37 (hg19) VCF-style: chr17-10432666-C-T.
Other names: c.3250G>A (NM_017534.5); c.3250G>A, p.Glu1084Lys (NM_001100112.2); short protein forms E1084K.
Identifiers: ClinVar variation 1378079 (VCV001378079.7), dbSNP rs2142299795, ClinGen allele CA398137865.